The following is an entry in ClinVar:

ClinVar aggregate classification (germline): Uncertain significance (1 of 4 stars; one submission).

Allele frequency attached by ClinVar (database versions not stated): gnomAD exomes below 0.00001.

Submission:

Labcorp Genetics (formerly Invitae), Labcorp
Classification: Uncertain significance. Last evaluated: 2022-03-26. Review status: criteria provided, single submitter. Criteria: Invitae Variant Classification Sherloc (09022015). Collection method: clinical testing. Allele origin: germline.
Comment: This variant is not present in population databases (gnomAD no frequency). This variant has not been reported in the literature in individuals affected with ECHS1-related conditions. Algorithms developed to predict the effect of sequence changes on RNA splicing suggest that this variant may create or strengthen a splice site. In summary, the available evidence is currently insufficient to determine the role of this variant in disease. Therefore, it has been classified as a Variant of Uncertain Significance. This sequence change falls in intron 1 of the ECHS1 gene. It does not directly change the encoded amino acid sequence of the ECHS1 protein.

NM_004092.4(ECHS1):c.88+9G>A

Genes: ECHS1 (enoyl-CoA hydratase, short chain 1; minus strand), LOC130005023 (ATAC-STARR-seq lymphoblastoid silent region 2977; plus strand). Cytogenetic location: 10q26.3.
Variant type: single nucleotide variant.
Coding change: c.88+9G>A on transcript NM_004092.4 (MANE Select); 9 bases into the intron after coding-DNA position 88, G replaced by A.
Molecular consequence: intron variant.
Genome position (GRCh38, 1-based): chr10:133,373,237, C>T on the plus strand (G>A on the coding strand, the complement: ECHS1 is on the minus strand). VCF-style: chr10-133373237-C-T. GRCh37 (hg19) VCF-style: chr10-135186741-C-T.
Identifiers: ClinVar variation 1908078 (VCV001908078.5), dbSNP rs891791920, ClinGen allele CA216820816.